The following is an entry in ClinVar:

ClinVar aggregate classification (germline): Conflicting classifications of pathogenicity. Review status: criteria provided, conflicting classifications (1 of 4 stars). 7 submissions from 7 submitters: Uncertain significance (3); Likely benign (4). Last evaluated 2024-04-16.

Conditions:
BRCA2-related cancer predisposition. Identifiers: MedGen CN377758, MONDO:0700269.
Hereditary cancer-predisposing syndrome. Also called: Hereditary Cancer Syndrome; Hereditary neoplastic syndrome; Neoplastic Syndromes, Hereditary; Tumor predisposition. Identifiers: Orphanet 140162, MedGen C0027672, MeSH D009386, MONDO:0015356.
Hereditary breast ovarian cancer syndrome. Also called: Hereditary breast and ovarian cancer; Hereditary breast and ovarian cancer syndrome (HBOC); Hereditary breast and/or ovarian cancer syndrome; Breast and ovarian cancer; BRCA1- and BRCA2-Associated Hereditary Breast and Ovarian Cancer; Hereditary breast and ovarian cancer syndrome. Identifiers: Orphanet 145, MedGen C0677776, MeSH D061325, MONDO:0003582. Disease mechanism: loss of function.

Allele frequency attached by ClinVar (database versions not stated): gnomAD exomes 0.00001; ExAC 0.00002.
gnomAD v4.1: 4 of 1,613,938 alleles (0.00025%); highest among the groups gnomAD compares: South Asian, 0.0011%; no homozygotes.

Submissions (7):

Labcorp Genetics (formerly Invitae), Labcorp
Classification: Uncertain significance for Hereditary breast ovarian cancer syndrome. Last evaluated: 2024-04-16. Review status: criteria provided, single submitter. Criteria: Invitae Variant Classification Sherloc (09022015). Collection method: clinical testing. Allele origin: germline.
Comment: This sequence change replaces isoleucine, which is neutral and non-polar, with valine, which is neutral and non-polar, at codon 2278 of the BRCA2 protein (p.Ile2278Val). This variant is present in population databases (rs772645059, gnomAD 0.003%). This variant has not been reported in the literature in individuals affected with BRCA2-related conditions. ClinVar contains an entry for this variant (Variation ID: 439000). Advanced modeling of protein sequence and biophysical properties (such as structural, functional, and spatial information, amino acid conservation, physicochemical variation, residue mobility, and thermodynamic stability) performed at Invitae indicates that this missense variant is not expected to disrupt BRCA2 protein function with a negative predictive value of 95%. In summary, the available evidence is currently insufficient to determine the role of this variant in disease. Therefore, it has been classified as a Variant of Uncertain Significance.

Department of Pathology and Laboratory Medicine, Sinai Health System
Classification: Likely benign for BRCA2-related cancer predisposition. Last evaluated: 2024-04-12. Review status: criteria provided, single submitter. Criteria: ACMG Guidelines, 2015. Collection method: clinical testing. Allele origin: germline.

Color Diagnostics, LLC DBA Color Health
Classification: Uncertain significance for Hereditary cancer-predisposing syndrome. Last evaluated: 2023-12-04. Review status: criteria provided, single submitter. Criteria: ACMG Guidelines, 2015. Collection method: clinical testing. Allele origin: germline.
Comment: This missense variant replaces isoleucine with valine at codon 2278 of the BRCA2 protein. Computational prediction suggests that this variant may not impact protein structure and function (internally defined REVEL score threshold <= 0.5, PMID: 27666373). To our knowledge, functional studies have not been reported for this variant. This variant has not been reported in individuals affected with BRCA2-related disorders in the literature. This variant has been identified in 2/250160 chromosomes in the general population by the Genome Aggregation Database (gnomAD). The available evidence is insufficient to determine the role of this variant in disease conclusively. Therefore, this variant is classified as a Variant of Uncertain Significance.

University of Washington Department of Laboratory Medicine, University of Washington
Classification: Likely benign for Hereditary cancer-predisposing syndrome. Last evaluated: 2023-03-23. Review status: criteria provided, single submitter. Criteria: Dines et al. (Genet Med. 2020). Collection method: curation. Allele origin: germline.
Comment: Missense variant in a coldspot region where missense variants are very unlikely to be pathogenic (PMID:31911673).

BRCA2 exon 11 coldspot. Reclassification based on statistical prior probability.

Blueprint Genetics
Classification: Likely benign. Last evaluated: 2020-10-06. Review status: criteria provided, single submitter. Criteria: ACMG Guidelines, 2015. Collection method: clinical testing. Allele origin: germline.

Ambry Genetics
Classification: Likely benign for Hereditary cancer-predisposing syndrome. Last evaluated: 2019-04-22. Review status: criteria provided, single submitter. Criteria: Ambry Variant Classification Scheme 2023. Collection method: clinical testing. Allele origin: germline.

Quest Diagnostics Nichols Institute San Juan Capistrano
Classification: Uncertain significance. Last evaluated: 2017-05-11. Review status: criteria provided, single submitter. Criteria: Quest Diagnostics criteria. Collection method: clinical testing. Allele origin: germline.

NM_000059.4(BRCA2):c.6832A>G (p.Ile2278Val)

Gene: BRCA2 (BRCA2 DNA repair associated; plus strand). Cytogenetic location: 13q13.1.
Variant type: single nucleotide variant.
Coding change: c.6832A>G on transcript NM_000059.4 (MANE Select); coding-DNA position 6832, A replaced by G.
Protein change: p.Ile2278Val; replaces isoleucine 2278 with valine.
Molecular consequence: missense variant.
Genome position (GRCh38, 1-based): chr13:32,341,187, A>G. VCF-style: chr13-32341187-A-G. GRCh37 (hg19) VCF-style: chr13-32915324-A-G.
Other names: short protein forms I2278V.
Identifiers: ClinVar variation 439000 (VCV000439000.20), dbSNP rs772645059, ClinGen allele CA6940990.